The following is an entry in ClinVar:

NM_001127178.3(PIGG):c.2629A>G (p.Thr877Ala)

Gene: PIGG (phosphatidylinositol glycan anchor biosynthesis class G (EMM blood group); plus strand). Cytogenetic location: 4p16.3.
Variant type: single nucleotide variant.
Coding change: c.2629A>G on transcript NM_001127178.3 (MANE Select); coding-DNA position 2629, A replaced by G.
Protein change: p.Thr877Ala; replaces threonine 877 with alanine.
Molecular consequence: missense variant. On other transcripts: non-coding transcript variant (10).
Genome position (GRCh38, 1-based): chr4:533,875, A>G. VCF-style: chr4-533875-A-G. GRCh37 (hg19) VCF-style: chr4-527664-A-G.
Other names: c.2362A>G, p.Thr788Ala (NM_001289051.2, NM_001345986.2); c.2230A>G, p.Thr744Ala (NM_001289052.2); c.2338A>G, p.Thr780Ala (NM_001345987.2); c.1600A>G, p.Thr534Ala (NM_001345988.2); c.1096A>G, p.Thr366Ala (NM_001345990.2, NM_001345991.2); c.1531A>G, p.Thr511Ala (NM_001345994.2); c.2605A>G, p.Thr869Ala (NM_017733.5); short protein forms T877A, T511A, T780A, T788A, T869A, T366A, T534A, T744A.
Identifiers: ClinVar variation 542880 (VCV000542880.8), dbSNP rs758180926, ClinGen allele CA2793701.

ClinVar aggregate classification (germline): Uncertain significance (1 of 4 stars; one submission).

Conditions:
Intellectual disability, autosomal recessive 53 (NEDHSCA). Also called: NEURODEVELOPMENTAL DISORDER WITH OR WITHOUT HYPOTONIA, SEIZURES, AND CEREBELLAR ATROPHY; GLYCOSYLPHOSPHATIDYLINOSITOL BIOSYNTHESIS DEFECT 13; Mental retardation, autosomal recessive 53. Identifiers: Orphanet 488635, MedGen C4310794, MONDO:0014832, OMIM 616917.

Allele frequency attached by ClinVar (database versions not stated): gnomAD exomes 0.00001 and 0.00002; ExAC 0.00002; gnomAD 0.00002 and 0.00004; TOPMed 0.00002.

Submission:

Labcorp Genetics (formerly Invitae), Labcorp
Classification: Uncertain significance for Intellectual disability, autosomal recessive 53. Last evaluated: 2022-07-19. Review status: criteria provided, single submitter. Criteria: Invitae Variant Classification Sherloc (09022015). Collection method: clinical testing. Allele origin: germline.
Comment: This sequence change replaces threonine, which is neutral and polar, with alanine, which is neutral and non-polar, at codon 877 of the PIGG protein (p.Thr877Ala). This variant is present in population databases (rs758180926, gnomAD 0.004%). This variant has not been reported in the literature in individuals affected with PIGG-related conditions. ClinVar contains an entry for this variant (Variation ID: 542880). Algorithms developed to predict the effect of missense changes on protein structure and function output the following: SIFT: "Tolerated"; PolyPhen-2: "Benign"; Align-GVGD: "Class C0". The alanine amino acid residue is found in multiple mammalian species, which suggests that this missense change does not adversely affect protein function. In summary, the available evidence is currently insufficient to determine the role of this variant in disease. Therefore, it has been classified as a Variant of Uncertain Significance.